The following is an entry in ClinVar:

NM_004172.5(SLC1A3):c.648T>C (p.Asn216=)

Genes: SLC1A3 (solute carrier family 1 member 3; plus strand), SLC1A3-AS1 (SLC1A3 antisense RNA 1; minus strand). Cytogenetic location: 5p13.2.
Variant type: single nucleotide variant.
Coding change: c.648T>C on transcript NM_004172.5 (MANE Select); coding-DNA position 648, T replaced by C.
Protein change: p.Asn216=; no amino-acid change (asparagine 216 retained).
Molecular consequence: synonymous variant. On other transcripts: intron variant (1).
Genome position (GRCh38, 1-based): chr5:36,676,972, T>C. VCF-style: chr5-36676972-T-C. GRCh37 (hg19) VCF-style: chr5-36677074-T-C.
Other names: p.Asn216=; c.648T>C, p.Asn216= (NM_001166695.3); c.510T>C, p.Asn170= (NM_001289939.2); c.525-2655T>C (NM_001289940.2).
Identifiers: ClinVar variation 711203 (VCV000711203.37), dbSNP rs139342707, ClinGen allele CA3235512.

ClinVar aggregate classification (germline): Benign/Likely benign. Review status: criteria provided, multiple submitters, no conflicts (2 of 4 stars). 6 submissions from 6 submitters: Benign (1); Likely benign (3). 2 of the submissions do not count toward it. Last evaluated 2025-12-29.

Allele frequency attached by ClinVar (database versions not stated): gnomAD 0.00045; 1000 Genomes Project 30x 0.00062; 1000 Genomes Project 0.00080; gnomAD exomes 0.00116 and 0.00138; ESP Exome Variant Server 0.00092; ExAC 0.00098; TOPMed 0.00102.
gnomAD v4.1: 2,183 of 1,613,980 alleles (0.14%); highest among the groups gnomAD compares: South Asian, 0.42%; 9 homozygotes.

Submissions (6):

Labcorp Genetics (formerly Invitae), Labcorp
Classification: Benign. Last evaluated: 2025-12-29. Review status: criteria provided, single submitter. Criteria: Invitae Variant Classification Sherloc (09022015). Collection method: clinical testing. Allele origin: germline.

Mayo Clinic Laboratories, Mayo Clinic
Classification: Likely benign. Last evaluated: 2025-09-09. Review status: criteria provided, single submitter. Criteria: ACMG Guidelines, 2015. Collection method: clinical testing. Allele origin: germline. Observed: 1 variant allele.
Comment: BS2, BP4, BP7

CeGaT Center for Human Genetics Tuebingen
Classification: Likely benign. Last evaluated: 2025-01-01. Review status: criteria provided, single submitter. Criteria: CeGaT Center For Human Genetics Tuebingen Variant Classification Criteria Version 2. Collection method: clinical testing. Allele origin: germline. Affected: yes. Observed: 6 variant alleles.
Comment: SLC1A3: BP4, BP7

Blueprint Genetics
Classification: Likely benign. Last evaluated: 2024-11-21. Review status: criteria provided, single submitter. Criteria: ACMG Guidelines, 2015. Collection method: clinical testing. Allele origin: germline.

Clinical Genetics DNA and cytogenetics Diagnostics Lab, Erasmus MC, Erasmus Medical Center
Classification: Likely benign. Review status: no assertion criteria provided. Collection method: clinical testing. Allele origin: germline. Affected: yes. Study: VKGL Data-share Consensus. Not counted in ClinVar's aggregate classification.

Genome Diagnostics Laboratory, University Medical Center Utrecht
Classification: Likely benign. Review status: no assertion criteria provided. Collection method: clinical testing. Allele origin: germline. Affected: yes. Study: VKGL Data-share Consensus. Not counted in ClinVar's aggregate classification.